The following is an entry in ClinVar:

NM_032737.4(LMNB2):c.255C>G (p.Thr85=)

Genes: LMNB2 (lamin B2; minus strand), LOC130063065 (ATAC-STARR-seq lymphoblastoid silent region 9791; plus strand). Cytogenetic location: 19p13.3.
Variant type: single nucleotide variant.
Coding change: c.255C>G on transcript NM_032737.4 (MANE Select); coding-DNA position 255, C replaced by G.
Protein change: p.Thr85=; no amino-acid change (threonine 85 retained).
Molecular consequence: synonymous variant.
Genome position (GRCh38, 1-based): chr19:2,456,679, G>C on the plus strand (C>G on the coding strand, the complement: LMNB2 is on the minus strand). VCF-style: chr19-2456679-G-C. GRCh37 (hg19) VCF-style: chr19-2456677-G-C.
Identifiers: ClinVar variation 542445 (VCV000542445.45), dbSNP rs201524951, ClinGen allele CA9067976.

ClinVar aggregate classification (germline): Benign/Likely benign. Review status: criteria provided, multiple submitters, no conflicts (2 of 4 stars). 4 submissions from 4 submitters: Benign (2); Likely benign (2). Last evaluated 2026-04-01.

Conditions:
Progressive myoclonic epilepsy type 9. Identifiers: Orphanet 457265, MedGen C4225289, MONDO:0014685, OMIM 616540.
Lipodystrophy, partial, acquired, susceptibility to (APLD). Also called: APLD, SUSCEPTIBILITY TO. Identifiers: MedGen C3887501, MONDO:0100476, OMIM 608709.

Allele frequency attached by ClinVar (database versions not stated): ESP Exome Variant Server 0.00024; 1000 Genomes Project 30x 0.00031; 1000 Genomes Project 0.00040; TOPMed 0.00053; gnomAD exomes 0.00072 and 0.00129; gnomAD 0.00117; ExAC 0.00199.
gnomAD v4.1: 1,165 of 1,543,186 alleles (0.075%); highest among the groups gnomAD compares: Non-Finnish European, 0.064%; 5 homozygotes.

Submissions (4):

CeGaT Center for Human Genetics Tuebingen
Classification: Likely benign. Last evaluated: 2026-04-01. Review status: criteria provided, single submitter. Criteria: CeGaT Center For Human Genetics Tuebingen Variant Classification Criteria Version 2. Collection method: clinical testing. Allele origin: germline. Affected: yes. Observed: 10 variant alleles.
Comment: LMNB2: BP4, BP7

Labcorp Genetics (formerly Invitae), Labcorp
Classification: Benign for Progressive myoclonic epilepsy type 9; Lipodystrophy, partial, acquired, susceptibility to. Last evaluated: 2026-01-12. Review status: criteria provided, single submitter. Criteria: Invitae Variant Classification Sherloc (09022015). Collection method: clinical testing. Allele origin: germline.

Blueprint Genetics
Classification: Likely benign. Last evaluated: 2024-11-21. Review status: criteria provided, single submitter. Criteria: ACMG Guidelines, 2015. Collection method: clinical testing. Allele origin: germline.

Athena Diagnostics
Classification: Benign. Last evaluated: 2019-06-17. Review status: criteria provided, single submitter. Criteria: Athena Diagnostics Criteria. Collection method: clinical testing. Allele origin: germline.